The following is an entry in ClinVar:

ClinVar aggregate classification (germline): Likely benign (0 of 4 stars; one submission).

Conditions:
PDGFRB-related disorder. Also called: PDGFRB-related condition.

Allele frequency attached by ClinVar (database versions not stated): ExAC 0.00002.
gnomAD v4.1: 13 of 1,588,554 alleles (0.00082%); highest among the groups gnomAD compares: East Asian, 0.027%; no homozygotes.

Submission:

PreventionGenetics, part of Exact Sciences
Classification: Likely benign for PDGFRB-related condition. Last evaluated: 2023-12-19. Review status: no assertion criteria provided. Collection method: clinical testing. Allele origin: germline.
Comment: This variant is classified as likely benign based on ACMG/AMP sequence variant interpretation guidelines (Richards et al. 2015 PMID: 25741868, with internal and published modifications).

NM_002609.4(PDGFRB):c.111C>A (p.Pro37=)

Gene: PDGFRB (platelet derived growth factor receptor beta; minus strand). Cytogenetic location: 5q32.
Variant type: single nucleotide variant.
Coding change: c.111C>A on transcript NM_002609.4 (MANE Select); coding-DNA position 111, C replaced by A.
Protein change: p.Pro37=; no amino-acid change (proline 37 retained).
Molecular consequence: synonymous variant. On other transcripts: 5 prime UTR variant (2).
Genome position (GRCh38, 1-based): chr5:150,135,808, G>T on the plus strand (C>A on the coding strand, the complement: PDGFRB is on the minus strand). VCF-style: chr5-150135808-G-T. GRCh37 (hg19) VCF-style: chr5-149515371-G-T.
Other names: c.-82C>A (NM_001355016.2); c.-407C>A (NM_001355017.2).
Identifiers: ClinVar variation 3042495 (VCV003042495.2), dbSNP rs767838015, ClinGen allele CA3508407.